The following is an entry in ClinVar:

NC_000007.14:g.33635277G>T

Gene: BBS9 (Bardet-Biedl syndrome 9; plus strand). Cytogenetic location: 7p14.3.
Variant type: single nucleotide variant.
Molecular consequence: 3 prime UTR variant (on NM_001348041.4).
Genome position: GRCh38 VCF-style: chr7-33635277-G-T. GRCh37 (hg19) VCF-style: chr7-33674889-G-T.
Other names: c.*6G>T (NM_001348041.4, NM_001362679.1).
Identifiers: ClinVar variation 3355018 (VCV003355018.1).
Genomic context (GRCh38, chr7:33,635,277, plus strand): 5'-AATACCCCACTCCCTGAGCCAGCATCTCCAGCTGATGGAGGGACCCAAAAGCTAAGCGGG[G>T]TCAATCAGACACCTTCCCTGGGATGGTTAAAACTGGGACAGGCCAATGGAGAAGGTCCTT-3'

ClinVar aggregate classification (germline): Likely benign (0 of 4 stars; one submission).

Conditions:
BBS9-related disorder. Also called: BBS9-related condition.

gnomAD v4.1: 3 of 152,206 alleles (0.002%); highest among the groups gnomAD compares: African/African-American, 0.0072%; no homozygotes.

Submission:

PreventionGenetics, part of Exact Sciences
Classification: Likely benign for BBS9-related condition. Last evaluated: 2024-09-26. Review status: no assertion criteria provided. Collection method: clinical testing. Allele origin: germline.
Comment: This variant is classified as likely benign based on ACMG/AMP sequence variant interpretation guidelines (Richards et al. 2015 PMID: 25741868, with internal and published modifications).